The following is an entry in ClinVar:

NM_014994.3(MAPKBP1):c.1970C>T (p.Thr657Ile)

Gene: MAPKBP1 (mitogen-activated protein kinase binding protein 1; plus strand). Cytogenetic location: 15q15.1.
Variant type: single nucleotide variant.
Coding change: c.1970C>T on transcript NM_014994.3 (MANE Select); coding-DNA position 1970, C replaced by T.
Protein change: p.Thr657Ile; replaces threonine 657 with isoleucine.
Molecular consequence: missense variant. On other transcripts: non-coding transcript variant (2).
Genome position (GRCh38, 1-based): chr15:41,818,074, C>T. VCF-style: chr15-41818074-C-T. GRCh37 (hg19) VCF-style: chr15-42110272-C-T.
Other names: c.1988C>T, p.Thr663Ile (NM_001128608.2); c.1970C>T, p.Thr657Ile (NM_001265611.2); short protein forms T663I, T657I.
Identifiers: ClinVar variation 734191 (VCV000734191.12), dbSNP rs139165608, ClinGen allele CA7498006.

ClinVar aggregate classification (germline): Likely benign. Review status: criteria provided, multiple submitters, no conflicts (2 of 4 stars). 3 submissions from 3 submitters: Likely benign (2). 1 of the submissions does not count toward it. Last evaluated 2026-01-14.

Conditions:
MAPKBP1-related disorder. Also called: MAPKBP1-related condition.
Nephronophthisis 20 (NPHP20). Identifiers: MedGen C4310640, MONDO:0014997, OMIM 617271.

Allele frequency attached by ClinVar (database versions not stated): 1000 Genomes Project 30x 0.00031; ExAC 0.00032; gnomAD exomes 0.00035; 1000 Genomes Project 0.00040; gnomAD 0.00111 and 0.00121; ESP Exome Variant Server 0.00115; TOPMed 0.00133.
gnomAD v4.1: 377 of 1,614,058 alleles (0.023%); highest among the groups gnomAD compares: African/African-American, 0.43%; no homozygotes.

Submissions (3):

Labcorp Genetics (formerly Invitae), Labcorp
Classification: Likely benign. Last evaluated: 2026-01-14. Review status: criteria provided, single submitter. Criteria: Invitae Variant Classification Sherloc (09022015). Collection method: clinical testing. Allele origin: germline.

Fulgent Genetics
Classification: Likely benign for Nephronophthisis 20. Last evaluated: 2021-07-16. Review status: criteria provided, single submitter. Criteria: ACMG Guidelines, 2015. Collection method: clinical testing. Allele origin: unknown.

PreventionGenetics, part of Exact Sciences
Classification: Likely benign for MAPKBP1-related condition. Last evaluated: 2022-06-15. Review status: no assertion criteria provided. Collection method: clinical testing. Allele origin: germline. Not counted in ClinVar's aggregate classification.
Comment: This variant is classified as likely benign based on ACMG/AMP sequence variant interpretation guidelines (Richards et al. 2015 PMID: 25741868, with internal and published modifications).